The following is an entry in ClinVar:

ClinVar aggregate classification (germline): Uncertain significance (1 of 4 stars; one submission).

Conditions:
Primary ciliary dyskinesia. Also called: Ciliary dyskinesia. Identifiers: Orphanet 244, MedGen C0008780, MONDO:0016575, HP:0012265.

Allele frequency attached by ClinVar (database versions not stated): gnomAD exomes 0.00001; TOPMed 0.00001; ExAC 0.00002.
gnomAD v4.1: 8 of 1,564,028 alleles (0.00051%); highest among the groups gnomAD compares: Non-Finnish European, 0.00061%; no homozygotes.

Submission:

Labcorp Genetics (formerly Invitae), Labcorp
Classification: Uncertain significance for Primary ciliary dyskinesia. Last evaluated: 2023-06-16. Review status: criteria provided, single submitter. Criteria: Invitae Variant Classification Sherloc (09022015). Collection method: clinical testing. Allele origin: germline.
Comment: Advanced modeling of protein sequence and biophysical properties (such as structural, functional, and spatial information, amino acid conservation, physicochemical variation, residue mobility, and thermodynamic stability) performed at Invitae indicates that this missense variant is not expected to disrupt DNAAF2 protein function. In summary, the available evidence is currently insufficient to determine the role of this variant in disease. Therefore, it has been classified as a Variant of Uncertain Significance. This variant has not been reported in the literature in individuals affected with DNAAF2-related conditions. This variant is present in population databases (rs779083314, gnomAD 0.001%). This sequence change replaces serine, which is neutral and polar, with tyrosine, which is neutral and polar, at codon 240 of the DNAAF2 protein (p.Ser240Tyr).

NM_018139.3(DNAAF2):c.719C>A (p.Ser240Tyr)

Gene: DNAAF2 (dynein axonemal assembly factor 2; minus strand). Cytogenetic location: 14q21.3.
Variant type: single nucleotide variant.
Coding change: c.719C>A on transcript NM_018139.3 (MANE Select); coding-DNA position 719, C replaced by A.
Protein change: p.Ser240Tyr; replaces serine 240 with tyrosine.
Molecular consequence: missense variant.
Genome position (GRCh38, 1-based): chr14:49,634,431, G>T on the plus strand (C>A on the coding strand, the complement: DNAAF2 is on the minus strand). VCF-style: chr14-49634431-G-T. GRCh37 (hg19) VCF-style: chr14-50101149-G-T.
Other names: c.719C>A, p.Ser240Tyr (NM_001083908.2); short protein forms S240Y.
Identifiers: ClinVar variation 2911487 (VCV002911487.1), dbSNP rs779083314, ClinGen allele CA7173044.